The following is an entry in ClinVar:

NM_001298.3(CNGA3):c.1336G>A (p.Ala446Thr)

Gene: CNGA3 (cyclic nucleotide gated channel subunit alpha 3; plus strand). Cytogenetic location: 2q11.2.
Variant type: single nucleotide variant.
Coding change: c.1336G>A on transcript NM_001298.3 (MANE Select); coding-DNA position 1336, G replaced by A.
Protein change: p.Ala446Thr; replaces alanine 446 with threonine.
Molecular consequence: missense variant.
Genome position (GRCh38, 1-based): chr2:98,396,506, G>A. VCF-style: chr2-98396506-G-A. GRCh37 (hg19) VCF-style: chr2-99012969-G-A.
Other names: c.1282G>A, p.Ala428Thr (NM_001079878.2); short protein forms A428T, A446T.
Identifiers: ClinVar variation 1365818 (VCV001365818.6), dbSNP rs369459783, ClinGen allele CA52635658.

ClinVar aggregate classification (germline): Uncertain significance (1 of 4 stars; one submission).

Allele frequency attached by ClinVar (database versions not stated): gnomAD exomes below 0.00001; gnomAD 0.00001; TOPMed 0.00002; ESP Exome Variant Server 0.00008.
gnomAD v4.1: 4 of 1,613,944 alleles (0.00025%); highest among the groups gnomAD compares: African/African-American, 0.0053%; no homozygotes.

Submission:

Labcorp Genetics (formerly Invitae), Labcorp
Classification: Uncertain significance. Last evaluated: 2025-01-27. Review status: criteria provided, single submitter. Criteria: Invitae Variant Classification Sherloc (09022015). Collection method: clinical testing. Allele origin: germline.
Comment: This sequence change replaces alanine, which is neutral and non-polar, with threonine, which is neutral and polar, at codon 446 of the CNGA3 protein (p.Ala446Thr). This variant is not present in population databases (gnomAD no frequency). This variant has not been reported in the literature in individuals affected with CNGA3-related conditions. ClinVar contains an entry for this variant (Variation ID: 1365818). Invitae Evidence Modeling of protein sequence and biophysical properties (such as structural, functional, and spatial information, amino acid conservation, physicochemical variation, residue mobility, and thermodynamic stability) indicates that this missense variant is not expected to disrupt CNGA3 protein function with a negative predictive value of 95%. In summary, the available evidence is currently insufficient to determine the role of this variant in disease. Therefore, it has been classified as a Variant of Uncertain Significance.